The following is an entry in ClinVar:

ClinVar aggregate classification (germline): Uncertain significance (1 of 4 stars; one submission).

Conditions:
CEP290-related disorder. Also called: CEP290-related disorders; CEP290-related condition. Identifiers: MedGen CN239314.

Submission:

PreventionGenetics, part of Exact Sciences
Classification: Uncertain significance for CEP290-related condition. Last evaluated: 2024-12-06. Review status: criteria provided, single submitter. Criteria: ACMG Guidelines, 2015. Collection method: clinical testing. Allele origin: germline.
Comment: The CEP290 c.249T>A variant is predicted to result in the amino acid substitution p.Phe83Leu. To our knowledge, this variant has not been reported in the literature or in a large population database (gnomAD), indicating this variant is rare. At this time, the clinical significance of this variant is uncertain due to the absence of conclusive functional and genetic evidence.

NM_025114.4(CEP290):c.249T>A (p.Phe83Leu)

Gene: CEP290 (centrosomal protein 290; minus strand). Cytogenetic location: 12q21.32.
Variant type: single nucleotide variant.
Coding change: c.249T>A on transcript NM_025114.4 (MANE Select); coding-DNA position 249, T replaced by A.
Protein change: p.Phe83Leu; replaces phenylalanine 83 with leucine.
Molecular consequence: missense variant.
Genome position (GRCh38, 1-based): chr12:88,139,496, A>T on the plus strand (T>A on the coding strand, the complement: CEP290 is on the minus strand). VCF-style: chr12-88139496-A-T. GRCh37 (hg19) VCF-style: chr12-88533273-A-T.
Other names: short protein forms F83L.
Identifiers: ClinVar variation 4999027 (VCV004999027.1).